The following is an entry in ClinVar:

NM_000059.4(BRCA2):c.10177G>A (p.Glu3393Lys)

Gene: BRCA2 (BRCA2 DNA repair associated; plus strand). Cytogenetic location: 13q13.1.
Variant type: single nucleotide variant.
Coding change: c.10177G>A on transcript NM_000059.4 (MANE Select); coding-DNA position 10177, G replaced by A.
Protein change: p.Glu3393Lys; replaces glutamic acid 3393 with lysine.
Molecular consequence: missense variant.
Genome position (GRCh38, 1-based): chr13:32,398,690, G>A. VCF-style: chr13-32398690-G-A. GRCh37 (hg19) VCF-style: chr13-32972827-G-A.
Other names: short protein forms E3393K.
Identifiers: ClinVar variation 1692102 (VCV001692102.2), dbSNP rs2137667403, ClinGen allele CA387768277.

ClinVar aggregate classification (germline): Uncertain significance. Review status: criteria provided, multiple submitters, no conflicts (2 of 4 stars). 2 submissions from 2 submitters: Uncertain significance (2). Last evaluated 2024-05-04.

Conditions:
Hereditary cancer-predisposing syndrome. Also called: Hereditary Cancer Syndrome; Hereditary neoplastic syndrome; Neoplastic Syndromes, Hereditary; Tumor predisposition. Identifiers: Orphanet 140162, MedGen C0027672, MeSH D009386, MONDO:0015356.

Submissions (2):

Color Diagnostics, LLC DBA Color Health
Classification: Uncertain significance for Hereditary cancer-predisposing syndrome. Last evaluated: 2024-05-04. Review status: criteria provided, single submitter. Criteria: ACMG Guidelines, 2015. Collection method: clinical testing. Allele origin: germline.
Comment: This missense variant replaces glutamic acid with lysine at codon 3393 of the BRCA2 protein. Computational prediction suggests that this variant may not impact protein structure and function (internally defined REVEL score threshold <= 0.5, PMID: 27666373). To our knowledge, functional studies have not been reported for this variant. This variant has not been reported in individuals affected with BRCA2-related disorders in the literature. This variant has not been identified in the general population by the Genome Aggregation Database (gnomAD). The available evidence is insufficient to determine the role of this variant in disease conclusively. Therefore, this variant is classified as a Variant of Uncertain Significance.

Sema4
Classification: Uncertain significance for Hereditary cancer-predisposing syndrome. Last evaluated: 2022-01-29. Review status: criteria provided, single submitter. Criteria: Sema4 Curation Guidelines. Collection method: curation. Allele origin: germline.
Comment: The BRCA2 c.10177G>A (p.E3393K) variant has not been reported in the literature to our knowledge. It was not observed in in the large and broad cohorts of the Genome Aggregation Database (PMID: 32461654), nor in ClinVar. In silico tools suggest the impact of the variant on protein function is benign, though these predictions have not been confirmed by functional studies. The evidence is insufficient to meet ACMG/AMP criteria for classifying the variant as benign or pathogenic. Thus, the clinical significance of this variant is currently uncertain.